The following is an entry in ClinVar:

NM_000380.4(XPA):c.378T>G (p.Cys126Trp)

Gene: XPA (XPA, DNA damage recognition and repair factor; minus strand). Cytogenetic location: 9q22.33.
Variant type: single nucleotide variant.
Coding change: c.378T>G on transcript NM_000380.4 (MANE Select); coding-DNA position 378, T replaced by G.
Protein change: p.Cys126Trp; replaces cysteine 126 with tryptophan.
Molecular consequence: missense variant. On other transcripts: non-coding transcript variant (2).
Genome position (GRCh38, 1-based): chr9:97,689,545, A>C on the plus strand (T>G on the coding strand, the complement: XPA is on the minus strand). VCF-style: chr9-97689545-A-C. GRCh37 (hg19) VCF-style: chr9-100451827-A-C.
Other names: c.252T>G, p.Cys84Trp (NM_001354975.2); short protein forms C126W, C84W.
Identifiers: ClinVar variation 553368 (VCV000553368.5), dbSNP rs1451780491, ClinGen allele CA374187695.

ClinVar aggregate classification (germline): Likely pathogenic. Review status: criteria provided, multiple submitters, no conflicts (2 of 4 stars). 4 submissions from 4 submitters: Likely pathogenic (3). 1 of the submissions does not count toward it. Last evaluated 2025-03-25.

Conditions:
Xeroderma pigmentosum group A (XPA). Also called: XPA-Related Xeroderma Pigmentosum; Xeroderma pigmentosum, complementation group A; XP, group A. Identifiers: Orphanet 910, MedGen C0268135, MONDO:0010210, OMIM 278700.
Xeroderma pigmentosum (XP). Identifiers: Orphanet 910, MedGen C0043346, MONDO:0019600.

Allele frequency attached by ClinVar (database versions not stated): gnomAD exomes below 0.00001; TOPMed below 0.00001.
gnomAD v4.1: 4 of 1,609,724 alleles (0.00025%); highest among the groups gnomAD compares: Non-Finnish European, 0.00034%; no homozygotes.

Submissions (4):

Myriad Genetics, Inc.
Classification: Likely pathogenic for Xeroderma pigmentosum group A. Last evaluated: 2025-03-25. Review status: criteria provided, single submitter. Criteria: Myriad Autosomal Dominant, Autosomal Recessive and X-Linked Classification Criteria (2023). Collection method: clinical testing. Allele origin: unknown.
Comment: NM_000380.3(XPA):c.378T>G(C126W) is a missense variant classified as likely pathogenic in the context of xeroderma pigmentosum group A. C126W has been observed in cases with relevant disease (PMID: 25566891, 39621777). Relevant functional assessments of this variant are available in the literature (PMID: 35687855). Internal structural analysis of the variant is supportive of pathogenicity. C126W has been observed in referenced population frequency databases. In summary, NM_000380.3(XPA):c.378T>G(C126W) is a missense variant that has both functional and internal structural support for pathogenicity and has been observed more frequently in cases with the relevant disease than in healthy populations. Please note: this variant was assessed in the context of healthy population screening.

Women's Health and Genetics/Laboratory Corporation of America, LabCorp
Classification: Likely pathogenic for Xeroderma pigmentosum. Last evaluated: 2023-08-01. Review status: criteria provided, single submitter. Criteria: LabCorp Variant Classification Summary - May 2015. Collection method: clinical testing. Allele origin: germline.
Comment: Variant summary: XPA c.378T>G (p.Cys126Trp) results in a non-conservative amino acid change located in the zinc finger domain (IPR022652), affecting a zinc-coordinating Cys residue (PMID 9078375) of the encoded protein sequence. Five of five in-silico tools predict a damaging effect of the variant on protein function. The variant allele was found at a frequency of 4e-06 in 250836 control chromosomes (gnomAD). c.378T>G has been reported in the literature in at least one homozygous individual affected with Xeroderma Pigmentosum (Tamhankar_2015). These data indicate that the variant may be associated with disease. At least one publication reported experimental evidence evaluating an impact on protein function, and demonstrated that the variant drastically reduces nucleotide excision repair (NER) in a cell-based NER activity assay (Blee_2022). The following publications have been ascertained in the context of this evaluation (PMID: 35687855, 25566891). Two submitters have cited clinical-significance assessments for this variant to ClinVar after 2014. One submitter classified the variant as likely pathogenic, and one submitter classified the variant as uncertain significance. Based on the evidence outlined above, the variant was classified as likely pathogenic.

Sema4
Classification: Likely pathogenic for Xeroderma pigmentosum. Last evaluated: 2021-12-29. Review status: criteria provided, single submitter. Criteria: Sema4 Curation Guidelines. Collection method: curation. Allele origin: germline.
Comment: The XPA c.378T>G (p.C126W) variant has been reported as homozygous in at least 1 individual with xeroderma pigmentosum (PMID: 25566891). This variant was observed in 1/113348 chromosomes in the European (non-Finnish) sub-population in the large and broad cohorts of the Genome Aggregation Database (PMID: 32461654). This variant has been reported in ClinVar (Variation ID: 553368). In silico tools suggest the impact of the variant on protein function is deleterious. FM-HCR (fluorescence-based multiplex flow-cytometric host cell reactivation) in vitro assay in XPA-deficient XP2OS cells shows decreased repair capacity and expression in cells expressing the variant when compared to WT XPA expressing cells. Based on the current evidence available, this variant is interpreted as likely pathogenic.

Counsyl
Classification: Uncertain significance for Xeroderma pigmentosum group A. Last evaluated: 2017-08-16. Review status: no assertion criteria provided. Collection method: clinical testing. Allele origin: unknown. Not counted in ClinVar's aggregate classification.

Literature cited by the submitters: PubMed 25566891 (cited by 4 submitters); PubMed 35687855 (cited by Myriad Genetics, Inc. and Women's Health and Genetics/Laboratory Corporation of America, LabCorp); PubMed 39621777 (cited by Myriad Genetics, Inc.).